The following is an entry in ClinVar:

ClinVar aggregate classification (germline): Pathogenic (1 of 4 stars; one submission).

Conditions:
Jeune thoracic dystrophy. Also called: Jeune syndrome; Infantile thoracic dystrophy; Thoracic pelvic phalangeal dystrophy; Jeune's syndrome; Chondroectodermal dysplasia-like syndrome; Short-rib thoracic dysplasia. Identifiers: Orphanet 474, MedGen C0265275, MONDO:0018770.

Allele frequency attached by ClinVar (database versions not stated): gnomAD exomes below 0.00001.
gnomAD v4.1: 1 of 1,611,736 alleles (0.000062%); highest among the groups gnomAD compares: Non-Finnish European, 0.000085%; no homozygotes.

Submission:

Labcorp Genetics (formerly Invitae), Labcorp
Classification: Pathogenic for Jeune thoracic dystrophy. Last evaluated: 2023-12-20. Review status: criteria provided, single submitter. Criteria: Invitae Variant Classification Sherloc (09022015). Collection method: clinical testing. Allele origin: germline.
Comment: This sequence change creates a premature translational stop signal (p.Gln924*) in the DYNC2H1 gene. It is expected to result in an absent or disrupted protein product. Loss-of-function variants in DYNC2H1 are known to be pathogenic (PMID: 23339108, 32753734, 33755199). This variant is not present in population databases (gnomAD no frequency). This variant has not been reported in the literature in individuals affected with DYNC2H1-related conditions. Algorithms developed to predict the effect of sequence changes on RNA splicing suggest that this variant may disrupt the consensus splice site. For these reasons, this variant has been classified as Pathogenic.

Literature cited by the submitters: PubMed 23339108; PubMed 32753734; PubMed 33755199.

NM_001377.3(DYNC2H1):c.2770C>T (p.Gln924Ter)

Gene: DYNC2H1 (dynein cytoplasmic 2 heavy chain 1; plus strand). Cytogenetic location: 11q22.3.
Variant type: single nucleotide variant.
Coding change: c.2770C>T on transcript NM_001377.3 (MANE Select); coding-DNA position 2770, C replaced by T.
Protein change: p.Gln924Ter; replaces glutamine 924 with a stop codon.
Molecular consequence: nonsense.
Genome position (GRCh38, 1-based): chr11:103,147,839, C>T. VCF-style: chr11-103147839-C-T. GRCh37 (hg19) VCF-style: chr11-103018568-C-T.
Other names: c.2770C>T, p.Gln924Ter (NM_001080463.2); short protein forms Q924*.
Identifiers: ClinVar variation 2754885 (VCV002754885.3), dbSNP rs2497001200, ClinGen allele CA382266076.